The following is an entry in ClinVar:

ClinVar aggregate classification (germline): Likely benign. Review status: criteria provided, multiple submitters, no conflicts (2 of 4 stars). 5 submissions from 5 submitters: Likely benign (5). Last evaluated 2025-12-29.

Conditions:
Chuvash polycythemia. Also called: POLYCYTHEMIA, VHL-DEPENDENT. Identifiers: Orphanet 238557, MedGen C1837915, MONDO:0009892, OMIM 263400.
Von Hippel-Lindau syndrome (VHLS). Also called: Von Hippel-Lindau; VHL syndrome; von Hippel–Lindau syndrome. Identifiers: Orphanet 892, MedGen C0019562, MONDO:0008667, OMIM 193300. Disease mechanism: loss of function.
Hereditary cancer-predisposing syndrome. Also called: Neoplastic Syndromes, Hereditary; Hereditary neoplastic syndrome; Tumor predisposition; Hereditary Cancer Syndrome. Identifiers: Orphanet 140162, MedGen C0027672, MeSH D009386, MONDO:0015356.
Pheochromocytoma. Also called: MAX-Related Hereditary Paraganglioma-Pheochromocytoma Syndrome. Identifiers: Orphanet 29072, MedGen C0031511, MONDO:0008233, OMIM 171300, HP:0002666.
Nonpapillary renal cell carcinoma. Identifiers: Orphanet 422526, MedGen CN074294, MONDO:0007763, OMIM 144700.

Allele frequency attached by ClinVar (database versions not stated): gnomAD exomes below 0.00001 and 0.00001; TOPMed below 0.00001.
gnomAD v4.1: 7 of 1,613,256 alleles (0.00043%); highest among the groups gnomAD compares: African/African-American, 0.0027%; no homozygotes.

Submissions (5):

Labcorp Genetics (formerly Invitae), Labcorp
Classification: Likely benign for Von Hippel-Lindau syndrome; Chuvash polycythemia. Last evaluated: 2025-12-29. Review status: criteria provided, single submitter. Criteria: Invitae Variant Classification Sherloc (09022015). Collection method: clinical testing. Allele origin: germline.

Myriad Genetics, Inc.
Classification: Likely benign for Von Hippel-Lindau syndrome. Last evaluated: 2025-06-12. Review status: criteria provided, single submitter. Criteria: Myriad Autosomal Dominant, Autosomal Recessive and X-Linked Classification Criteria (2023). Collection method: clinical testing. Allele origin: unknown.
Comment: This variant is considered likely benign. This variant is intronic and is not expected to impact mRNA splicing.

Fulgent Genetics
Classification: Likely benign for Nonpapillary renal cell carcinoma; Pheochromocytoma; Von Hippel-Lindau syndrome; Chuvash polycythemia. Last evaluated: 2022-04-14. Review status: criteria provided, single submitter. Criteria: ACMG Guidelines, 2015. Collection method: clinical testing. Allele origin: unknown.

Sema4
Classification: Likely benign for Hereditary cancer-predisposing syndrome. Last evaluated: 2020-10-22. Review status: criteria provided, single submitter. Criteria: Sema4 Curation Guidelines. Collection method: curation. Allele origin: germline.

GeneDx
Classification: Likely benign. Last evaluated: 2016-06-22. Review status: criteria provided, single submitter. Criteria: GeneDx Variant Classification (06012015). Collection method: clinical testing. Allele origin: germline. Affected: yes.
Comment: This variant is considered likely benign or benign based on one or more of the following criteria: it is a conservative change, it occurs at a poorly conserved position in the protein, it is predicted to be benign by multiple in silico algorithms, and/or has population frequency not consistent with disease.

NM_000551.4(VHL):c.463+9G>A

Genes: VHL (von Hippel-Lindau tumor suppressor; plus strand), LOC107303340 (3p25 von Hippel-Lindau tumor suppressor, E3 ubiquitin protein ligase Alu-mediated recombination region; plus strand). Cytogenetic location: 3p25.3.
Variant type: single nucleotide variant.
Coding change: c.463+9G>A on transcript NM_000551.4 (MANE Select); 9 bases into the intron after coding-DNA position 463, G replaced by A.
Molecular consequence: intron variant.
Genome position (GRCh38, 1-based): chr3:10,146,645, G>A. VCF-style: chr3-10146645-G-A. GRCh37 (hg19) VCF-style: chr3-10188329-G-A.
Other names: c.*18-3142G>A (NM_001354723.2); c.341-3142G>A (NM_198156.3).
Identifiers: ClinVar variation 387184 (VCV000387184.15), dbSNP rs1057522720, ClinGen allele CA16604769.